The following is an entry in ClinVar:

NM_019066.5(MAGEL2):c.293_294delinsAT (p.Pro98His)

Gene: MAGEL2 (MAGE family member L2; minus strand). Cytogenetic location: 15q11.2.
Variant type: Indel.
Coding change: c.293_294delinsAT on transcript NM_019066.5 (MANE Select); coding-DNA positions 293 to 294, CG replaced by AT.
Protein change: p.Pro98His; replaces proline 98 with histidine.
Molecular consequence: missense variant.
Genome position (GRCh38, 1-based): chr15:23,647,449-23,647,450, CG replaced by AT on the plus strand (CG replaced by AT on the coding strand, the reverse complement: MAGEL2 is on the minus strand). VCF-style: chr15-23647449-CG-AT. GRCh37 (hg19) VCF-style: chr15-23892596-CG-AT.
Other names: c.293_294delinsAT (NM_019066.4); short protein forms P98H.
Identifiers: ClinVar variation 2584558 (VCV002584558.2), dbSNP rs2503985041, ClinGen allele CA2582341774.

ClinVar aggregate classification (germline): Uncertain significance. Review status: criteria provided, single submitter (1 of 4 stars). 2 submissions from 2 submitters: Uncertain significance (1). 1 of the submissions does not count toward it. Last evaluated 2023-01-11.

Conditions:
MAGEL2-related disorder. Also called: MAGEL2-related condition.
Schaaf-Yang syndrome (SHFYNG). Also called: MAGEL2-related Prader-Willi-like syndrome; Arthrogryposis, distal, with hypopituitarism, intellectual disability, and facial anomalies. Identifiers: Orphanet 398069, MedGen C5575066, MONDO:0014243, OMIM 615547.

Submissions (2):

New York Genome Center
Classification: Uncertain significance for Schaaf-Yang syndrome. Last evaluated: 2023-01-11. Review status: criteria provided, single submitter. Criteria: NYGC Assertion Criteria 2020. Collection method: clinical testing. Allele origin: germline. Observed: 1 heterozygote.

PreventionGenetics, part of Exact Sciences
Classification: Uncertain significance for MAGEL2-related condition. Last evaluated: 2024-09-16. Review status: no assertion criteria provided. Collection method: clinical testing. Allele origin: germline. Not counted in ClinVar's aggregate classification.
Comment: The MAGEL2 c.293_294delinsAT variant is predicted to result in an in-frame deletion and insertion. To our knowledge, this variant has not been reported in the literature or in gnomAD, indicating this variant is rare. At this time, the clinical significance of this variant is uncertain due to the absence of conclusive functional and genetic evidence.